The following is an entry in ClinVar:

NM_001042492.3(NF1):c.1997C>T (p.Ser666Phe)

Gene: NF1 (neurofibromin 1; plus strand). Cytogenetic location: 17q11.2.
Variant type: single nucleotide variant.
Coding change: c.1997C>T on transcript NM_001042492.3 (MANE Select); coding-DNA position 1997, C replaced by T.
Protein change: p.Ser666Phe; replaces serine 666 with phenylalanine.
Molecular consequence: missense variant.
Genome position (GRCh38, 1-based): chr17:31,225,246, C>T. VCF-style: chr17-31225246-C-T. GRCh37 (hg19) VCF-style: chr17-29552264-C-T.
Other names: c.1997C>T, p.Ser666Phe (NM_000267.4); short protein forms S666F.
Identifiers: ClinVar variation 852948 (VCV000852948.8), dbSNP rs2066993930, ClinGen allele CA399005632.

ClinVar aggregate classification (germline): Conflicting classifications of pathogenicity. Review status: criteria provided, conflicting classifications (1 of 4 stars). 3 submissions from 3 submitters: Uncertain significance (2); Likely benign (1). Last evaluated 2025-05-29.

Conditions:
NF1-related disorder. Also called: NF1-related condition. Identifiers: MedGen CN379171.
Neurofibromatosis, type 1 (NF1). Also called: Neurofibromatosis, type I; VON RECKLINGHAUSEN DISEASE; Peripheral type neurofibromatosis; NEUROFIBROMATOSIS, TYPE I, SOMATIC. Identifiers: Orphanet 636, MedGen C0027831, MONDO:0018975, OMIM 162200. Disease mechanism: loss of function.
Cardiovascular phenotype. Identifiers: MedGen CN230736.
Hereditary cancer-predisposing syndrome. Also called: Neoplastic Syndromes, Hereditary; Hereditary Cancer Syndrome; Hereditary neoplastic syndrome; Tumor predisposition. Identifiers: Orphanet 140162, MedGen C0027672, MeSH D009386, MONDO:0015356.

Submissions (3):

Ambry Genetics
Classification: Likely benign for Cardiovascular phenotype; Hereditary cancer-predisposing syndrome. Last evaluated: 2025-05-29. Review status: criteria provided, single submitter. Criteria: Ambry Variant Classification Scheme 2023. Collection method: clinical testing. Allele origin: germline.

Labcorp Genetics (formerly Invitae), Labcorp
Classification: Uncertain significance for Neurofibromatosis, type 1. Last evaluated: 2025-03-13. Review status: criteria provided, single submitter. Criteria: Invitae Variant Classification Sherloc (09022015). Collection method: clinical testing. Allele origin: germline.
Comment: This sequence change replaces serine, which is neutral and polar, with phenylalanine, which is neutral and non-polar, at codon 666 of the NF1 protein (p.Ser666Phe). This variant is not present in population databases (gnomAD no frequency). This variant has not been reported in the literature in individuals affected with NF1-related conditions. ClinVar contains an entry for this variant (Variation ID: 852948). Invitae Evidence Modeling of protein sequence and biophysical properties (such as structural, functional, and spatial information, amino acid conservation, physicochemical variation, residue mobility, and thermodynamic stability) indicates that this missense variant is not expected to disrupt NF1 protein function with a negative predictive value of 95%. In summary, the available evidence is currently insufficient to determine the role of this variant in disease. Therefore, it has been classified as a Variant of Uncertain Significance.

PreventionGenetics, part of Exact Sciences
Classification: Uncertain significance for NF1-related condition. Last evaluated: 2023-06-02. Review status: criteria provided, single submitter. Criteria: ACMG Guidelines, 2015. Collection method: clinical testing. Allele origin: germline.
Comment: The NF1 c.1997C>T variant is predicted to result in the amino acid substitution p.Ser666Phe. To our knowledge, this variant has not been reported in the literature or in a large population database, indicating this variant is rare. At this time, the clinical significance of this variant is uncertain due to the absence of conclusive functional and genetic evidence.